The following is an entry in ClinVar:

NM_001142800.2(EYS):c.8823G>A (p.Leu2941=)

Genes: EYS (EGF-like photoreceptor maintenance factor; minus strand), PHF3 (PHD finger protein 3; plus strand). Cytogenetic location: 6q12.
Variant type: single nucleotide variant.
Coding change: c.8823G>A on transcript NM_001142800.2 (MANE Select); coding-DNA position 8823, G replaced by A.
Protein change: p.Leu2941=; no amino-acid change (leucine 2941 retained).
Molecular consequence: synonymous variant. On other transcripts: 3 prime UTR variant (5).
Genome position (GRCh38, 1-based): chr6:63,721,208, C>T on the plus strand (G>A on the coding strand, the complement: EYS is on the minus strand). VCF-style: chr6-63721208-C-T. GRCh37 (hg19) VCF-style: chr6-64431104-C-T.
Other names: c.*7500C>T (NM_001290259.2, NM_001370348.2, NM_001370349.2 and 2 more transcripts); c.8886G>A, p.Leu2962= (NM_001292009.2).
Identifiers: ClinVar variation 4821232 (VCV004821232.4).

ClinVar aggregate classification (germline): Likely benign (1 of 4 stars; one submission).

gnomAD v4.1: 10 of 1,551,546 alleles (0.00064%); highest among the groups gnomAD compares: Non-Finnish European, 0.00087%; no homozygotes.

Submission:

CeGaT Center for Human Genetics Tuebingen
Classification: Likely benign. Last evaluated: 2026-01-01. Review status: criteria provided, single submitter. Criteria: CeGaT Center For Human Genetics Tuebingen Variant Classification Criteria Version 2. Collection method: clinical testing. Allele origin: germline. Affected: yes. Observed: 1 variant allele.
Comment: EYS: BP4, BP7